The following is an entry in ClinVar:

NM_152383.5(DIS3L2):c.484C>A (p.Pro162Thr)

Gene: DIS3L2 (DIS3 like 3'-5' exoribonuclease 2; plus strand). Cytogenetic location: 2q37.1.
Variant type: single nucleotide variant.
Coding change: c.484C>A on transcript NM_152383.5 (MANE Select); coding-DNA position 484, C replaced by A.
Protein change: p.Pro162Thr; replaces proline 162 with threonine.
Molecular consequence: missense variant. On other transcripts: non-coding transcript variant (2).
Genome position (GRCh38, 1-based): chr2:232,087,604, C>A. VCF-style: chr2-232087604-C-A. GRCh37 (hg19) VCF-style: chr2-232952314-C-A.
Other names: c.484C>A, p.Pro162Thr (NM_001257281.2, NM_001257282.2); short protein forms P162T.
Identifiers: ClinVar variation 463119 (VCV000463119.9), dbSNP rs1478569468, ClinGen allele CA351155078.

ClinVar aggregate classification (germline): Uncertain significance (1 of 4 stars; one submission).

Conditions:
Perlman syndrome (PRLMNS). Identifiers: Orphanet 2849, MedGen C0796113, MONDO:0009965, OMIM 267000.

Allele frequency attached by ClinVar (database versions not stated): gnomAD 0.00002; gnomAD exomes 0.00002; TOPMed 0.00002.
gnomAD v4.1: 26 of 1,613,872 alleles (0.0016%); highest among the groups gnomAD compares: Non-Finnish European, 0.0022%; no homozygotes.

Submission:

Labcorp Genetics (formerly Invitae), Labcorp
Classification: Uncertain significance for Perlman syndrome. Last evaluated: 2025-08-18. Review status: criteria provided, single submitter. Criteria: Invitae Variant Classification Sherloc (09022015). Collection method: clinical testing. Allele origin: germline.
Comment: This sequence change replaces proline, which is neutral and non-polar, with threonine, which is neutral and polar, at codon 162 of the DIS3L2 protein (p.Pro162Thr). This variant is present in population databases (no rsID available, gnomAD 0.005%). This variant has not been reported in the literature in individuals affected with DIS3L2-related conditions. ClinVar contains an entry for this variant (Variation ID: 463119). An algorithm developed to predict the effect of missense changes on protein structure and function (PolyPhen-2) suggests that this variant is likely to be tolerated. In summary, the available evidence is currently insufficient to determine the role of this variant in disease. Therefore, it has been classified as a Variant of Uncertain Significance.